The following is an entry in ClinVar:

NM_006659.4(TUBGCP2):c.1209A>G (p.Pro403=)

Gene: TUBGCP2 (tubulin gamma complex component 2; minus strand). Cytogenetic location: 10q26.3.
Variant type: single nucleotide variant.
Coding change: c.1209A>G on transcript NM_006659.4 (MANE Select); coding-DNA position 1209, A replaced by G.
Protein change: p.Pro403=; no amino-acid change (proline 403 retained).
Molecular consequence: synonymous variant. On other transcripts: non-coding transcript variant (1).
Genome position (GRCh38, 1-based): chr10:133,292,504, T>C on the plus strand (A>G on the coding strand, the complement: TUBGCP2 is on the minus strand). VCF-style: chr10-133292504-T-C. GRCh37 (hg19) VCF-style: chr10-135106008-T-C.
Other names: c.1293A>G, p.Pro431= (NM_001256617.2); c.819A>G, p.Pro273= (NM_001256618.2).
Identifiers: ClinVar variation 2641019 (VCV002641019.25), dbSNP rs138296826, ClinGen allele CA5764217.

ClinVar aggregate classification (germline): Likely benign. Review status: criteria provided, multiple submitters, no conflicts (2 of 4 stars). 2 submissions from 2 submitters: Likely benign (2). Last evaluated 2026-07-01.

Allele frequency attached by ClinVar (database versions not stated): gnomAD exomes 0.00009; gnomAD 0.00014; ExAC 0.00017; 1000 Genomes Project 30x 0.00031; ESP Exome Variant Server 0.00062; 1000 Genomes Project 0.00100.
gnomAD v4.1: 151 of 1,610,212 alleles (0.0094%); highest among the groups gnomAD compares: South Asian, 0.041%; 2 homozygotes.

Submissions (2):

CeGaT Center for Human Genetics Tuebingen
Classification: Likely benign. Last evaluated: 2026-07-01. Review status: criteria provided, single submitter. Criteria: CeGaT Center For Human Genetics Tuebingen Variant Classification Criteria Version 2. Collection method: clinical testing. Allele origin: germline. Affected: yes. Observed: 5 variant alleles.
Comment: TUBGCP2: BP4, BP7

Blueprint Genetics
Classification: Likely benign. Last evaluated: 2024-07-25. Review status: criteria provided, single submitter. Criteria: ACMG Guidelines, 2015. Collection method: clinical testing. Allele origin: germline.